The following is an entry in ClinVar:

ClinVar aggregate classification (germline): Pathogenic (0 of 4 stars; one submission).

Conditions:
Roberts-SC phocomelia syndrome (RBS). Also called: Pseudothalidomide syndrome; Appelt-Gerken-Lenz syndrome; LONG BONE DEFICIENCIES ASSOCIATED WITH CLEFT LIP-PALATE; ESCO2 Spectrum Disorder; Hypomelia hypotrichosis facial hemangioma syndrome. Identifiers: Orphanet 3103, MedGen C0392475, MONDO:0100253, OMIM 268300.

Submission:

Retinal Dystrophies Molecular Genetics Laboratory, St John of Jerusalem Eye Hospital
Classification: Pathogenic for Roberts-SC phocomelia syndrome. Last evaluated: 2026-03-27. Review status: no assertion criteria provided. Collection method: clinical testing. Allele origin: germline. Inheritance: Autosomal recessive inheritance. Affected: yes. Observed: 2 variant alleles, 2 homozygotes. Clinical features observed: Night blindness (HP:0000662), Peripheral visual field loss (HP:0007994), Peritonitis (HP:0002586), Iris coloboma (HP:0000612), Attenuation of retinal blood vessels (HP:0007843), Optic disc pallor (HP:0000543), Reduced visual acuity (HP:0007663), Progressive cone degeneration (HP:0007789), Macular dystrophy (HP:0007754), Abnormal macular morphology (HP:0001103).
Comment: The variant is predicted to result in loss of function of MAK, consistent with autosomal recessive inheritance.

NM_001242957.3(MAK):c.158_278+2del

Gene: MAK (male germ cell associated kinase; minus strand). Cytogenetic location: 6p24.2.
Variant type: Deletion.
Coding change: c.158_278+2del on transcript NM_001242957.3 (MANE Select); coding-DNA position 158 through the canonical splice donor site of the intron after coding-DNA position 278, 123 bases deleted.
Molecular consequence: splice acceptor variant, splice donor variant.
Genome position (GRCh38, 1-based): chr6:10,817,848-10,817,970, 123 bases deleted. GRCh37 (hg19): chr6:10,818,083-10,818,205.
Other names: c.56_176+2del (NM_001377262.1); c.158_278+2del (NM_005906.6, NM_001242385.2).
Identifiers: ClinVar variation 4819671 (VCV004819671.1).